The following is an entry in ClinVar:

ClinVar aggregate classification (germline): Uncertain significance (1 of 4 stars; one submission).

Conditions:
Hereditary cancer-predisposing syndrome. Also called: Neoplastic Syndromes, Hereditary; Tumor predisposition; Hereditary neoplastic syndrome; Hereditary Cancer Syndrome. Identifiers: Orphanet 140162, MedGen C0027672, MeSH D009386, MONDO:0015356.

Submission:

Ambry Genetics
Classification: Uncertain significance for Hereditary cancer-predisposing syndrome. Last evaluated: 2026-08-16. Review status: criteria provided, single submitter. Criteria: Ambry Variant Classification Scheme 2023. Collection method: clinical testing. Allele origin: germline.
Comment: The p.V842D variant (also known as c.2525T>A) is located in coding exon 16 of the RAD50 gene. The valine at codon 842 is replaced by aspartic acid, an amino acid with highly dissimilar properties. This change occurs in the first base pair of coding exon 16. This amino acid position is conserved. In addition, the in silico prediction for this alteration is inconclusive. Based on the available evidence, the clinical significance of this variant remains unclear.

NM_005732.4(RAD50):c.2525T>A (p.Val842Asp)

Gene: RAD50 (RAD50 double strand break repair protein; plus strand). Cytogenetic location: 5q31.1.
Variant type: single nucleotide variant.
Coding change: c.2525T>A on transcript NM_005732.4 (MANE Select); coding-DNA position 2525, T replaced by A.
Protein change: p.Val842Asp; replaces valine 842 with aspartic acid.
Molecular consequence: missense variant.
Genome position (GRCh38, 1-based): chr5:132,604,806, T>A. VCF-style: chr5-132604806-T-A. GRCh37 (hg19) VCF-style: chr5-131940498-T-A.
Other names: short protein forms V842D.
Identifiers: ClinVar variation 5027732 (VCV005027732.1).